The following is an entry in ClinVar:

NM_018979.4(WNK1):c.4129G>A (p.Val1377Met)

Gene: WNK1 (WNK lysine deficient protein kinase 1; plus strand). Cytogenetic location: 12p13.33.
Variant type: single nucleotide variant.
Coding change: c.4129G>A on transcript NM_018979.4 (MANE Select); coding-DNA position 4129, G replaced by A.
Protein change: p.Val1377Met; replaces valine 1377 with methionine.
Molecular consequence: missense variant.
Genome position (GRCh38, 1-based): chr12:884,933, G>A. VCF-style: chr12-884933-G-A. GRCh37 (hg19) VCF-style: chr12-994099-G-A.
Other names: c.4909G>A, p.Val1637Met (NM_001184985.2); c.3388G>A, p.Val1130Met (NM_014823.3); c.4885G>A, p.Val1629Met (NM_213655.5); short protein forms V1637M, V1130M, V1377M, V1629M.
Identifiers: ClinVar variation 835038 (VCV000835038.9), dbSNP rs902552433, ClinGen allele CA231479051.
Genomic context (GRCh38, chr12:884,933, plus strand): 5'-CCTGCAACAAGCAGCCCTCCTAATGACATTTCCACATCAGTAATTCAGTCTGAGGTTACA[G>A]TGCCCACTGAAGAGGGGATTGCTGGAGTTGCCACCAGCACAGGTGTGGTAACTTCAGGTG-3'
Protein context (NP_061852.3, residues 1367-1387): STSVIQSEVT[Val1377Met]PTEEGIAGVA

ClinVar aggregate classification (germline): Uncertain significance (1 of 4 stars; one submission).

Conditions:
Pseudohypoaldosteronism type 2C (PHA2C). Also called: Pseudohypoaldosteronism Type IIC. Identifiers: Orphanet 757, Orphanet 88940, MedGen C1840391, MONDO:0013778, OMIM 614492.
Neuropathy, hereditary sensory and autonomic, type 2A (HSAN2A). Also called: MORVAN DISEASE; NEUROPATHY, CONGENITAL SENSORY; NEUROPATHY, HEREDITARY SENSORY RADICULAR, AUTOSOMAL RECESSIVE; NEUROPATHY, HEREDITARY SENSORY, TYPE IIA; NEUROPATHY, PROGRESSIVE SENSORY, OF CHILDREN; WNK1-Related HSAN2 (HSAN2A). Identifiers: Orphanet 970, MedGen C2752089, MONDO:0024309, OMIM 201300.

Allele frequency attached by ClinVar (database versions not stated): TOPMed 0.00001; gnomAD 0.00002.
gnomAD v4.1: 3 of 1,614,020 alleles (0.00019%); highest among the groups gnomAD compares: African/African-American, 0.004%; no homozygotes.

Submission:

Labcorp Genetics (formerly Invitae), Labcorp
Classification: Uncertain significance for Neuropathy, hereditary sensory and autonomic, type 2A; Pseudohypoaldosteronism type 2C. Last evaluated: 2019-12-08. Review status: criteria provided, single submitter. Criteria: Invitae Variant Classification Sherloc (09022015). Collection method: clinical testing. Allele origin: germline.
Comment: This variant has not been reported in the literature in individuals with WNK1-related conditions. Algorithms developed to predict the effect of missense changes on protein structure and function output the following: SIFT: "Tolerated"; PolyPhen-2: "Not Available"; Align-GVGD: "Class C0". The methionine amino acid residue is found in multiple mammalian species, suggesting that this missense change does not adversely affect protein function. These predictions have not been confirmed by published functional studies and their clinical significance is uncertain. In summary, the available evidence is currently insufficient to determine the role of this variant in disease. Therefore, it has been classified as a Variant of Uncertain Significance. This sequence change replaces valine with methionine at codon 1629 of the WNK1 protein (p.Val1629Met). The valine residue is moderately conserved and there is a small physicochemical difference between valine and methionine. This variant is not present in population databases (ExAC no frequency).